The following is an entry in ClinVar:

ClinVar aggregate classification (germline): Uncertain significance. Review status: criteria provided, multiple submitters, no conflicts (2 of 4 stars). 2 submissions from 2 submitters: Uncertain significance (2). Last evaluated 2024-10-14.

Conditions:
Inborn genetic diseases. Identifiers: MedGen C0950123, MeSH D030342.

Allele frequency attached by ClinVar (database versions not stated): TOPMed below 0.00001; gnomAD 0.00001.
gnomAD v4.1: 4 of 1,611,648 alleles (0.00025%); highest among the groups gnomAD compares: Non-Finnish European, 0.00034%; no homozygotes.

Submissions (2):

GeneDx
Classification: Uncertain significance. Last evaluated: 2024-10-14. Review status: criteria provided, single submitter. Criteria: GeneDx Variant Classification Process June 2021. Collection method: clinical testing. Allele origin: germline. Affected: yes.
Comment: Not observed at significant frequency in large population cohorts (gnomAD); In silico analysis supports that this missense variant has a deleterious effect on protein structure/function; Has not been previously published as pathogenic or benign to our knowledge

Ambry Genetics
Classification: Uncertain significance for Inborn genetic diseases. Last evaluated: 2021-07-02. Review status: criteria provided, single submitter. Criteria: Ambry Variant Classification Scheme 2023. Collection method: clinical testing. Allele origin: germline.

NM_001360.3(DHCR7):c.169T>G (p.Phe57Val)

Gene: DHCR7 (7-dehydrocholesterol reductase; minus strand). Cytogenetic location: 11q13.4.
Variant type: single nucleotide variant.
Coding change: c.169T>G on transcript NM_001360.3 (MANE Select); coding-DNA position 169, T replaced by G.
Protein change: p.Phe57Val; replaces phenylalanine 57 with valine.
Molecular consequence: missense variant.
Genome position (GRCh38, 1-based): chr11:71,444,145, A>C on the plus strand (T>G on the coding strand, the complement: DHCR7 is on the minus strand). VCF-style: chr11-71444145-A-C. GRCh37 (hg19) VCF-style: chr11-71155191-A-C.
Other names: c.169T>G, p.Phe57Val (NM_001163817.2); short protein forms F57V.
Identifiers: ClinVar variation 2383544 (VCV002383544.3), dbSNP rs1231628274, ClinGen allele CA381696613.